The following is an entry in ClinVar:

ClinVar aggregate classification (germline): Uncertain significance. Review status: criteria provided, multiple submitters, no conflicts (2 of 4 stars). 4 submissions from 4 submitters: Uncertain significance (4). Last evaluated 2025-11-10.

Conditions:
Ataxia-telangiectasia-like disorder (ATLD). Identifiers: MedGen C1858391, MONDO:0011457.
Hereditary cancer-predisposing syndrome. Also called: Neoplastic Syndromes, Hereditary; Tumor predisposition; Hereditary Cancer Syndrome; Hereditary neoplastic syndrome. Identifiers: Orphanet 140162, MedGen C0027672, MeSH D009386, MONDO:0015356.
Ataxia-telangiectasia-like disorder 1 (ATLD1). Identifiers: Orphanet 251347, MedGen C4012790, MONDO:0024557, OMIM 604391.

Allele frequency attached by ClinVar (database versions not stated): gnomAD exomes 0.00003; TOPMed 0.00003; ExAC 0.00004; gnomAD 0.00005; ESP Exome Variant Server 0.00008.
gnomAD v4.1: 46 of 1,613,616 alleles (0.0029%); highest among the groups gnomAD compares: Middle Eastern, 0.016%; no homozygotes.

Submissions (4):

Labcorp Genetics (formerly Invitae), Labcorp
Classification: Uncertain significance for Ataxia-telangiectasia-like disorder. Last evaluated: 2025-11-10. Review status: criteria provided, single submitter. Criteria: Invitae Variant Classification Sherloc (09022015). Collection method: clinical testing. Allele origin: germline.
Comment: This sequence change replaces arginine, which is basic and polar, with tryptophan, which is neutral and slightly polar, at codon 388 of the MRE11 protein (p.Arg388Trp). This variant is present in population databases (rs375223186, gnomAD 0.01%). This variant has not been reported in the literature in individuals affected with MRE11-related conditions. ClinVar contains an entry for this variant (Variation ID: 187636). An algorithm developed to predict the effect of missense changes on protein structure and function (PolyPhen-2) suggests that this variant is likely to be tolerated. In summary, the available evidence is currently insufficient to determine the role of this variant in disease. Therefore, it has been classified as a Variant of Uncertain Significance.

Quest Diagnostics Nichols Institute San Juan Capistrano
Classification: Uncertain significance. Last evaluated: 2024-12-11. Review status: criteria provided, single submitter. Criteria: Quest Diagnostics criteria. Collection method: clinical testing. Allele origin: unknown.

Ambry Genetics
Classification: Uncertain significance for Hereditary cancer-predisposing syndrome. Last evaluated: 2024-07-09. Review status: criteria provided, single submitter. Criteria: Ambry Variant Classification Scheme 2023. Collection method: clinical testing. Allele origin: germline.

Baylor Genetics
Classification: Uncertain significance for Ataxia-telangiectasia-like disorder 1. Last evaluated: 2023-12-20. Review status: criteria provided, single submitter. Criteria: ACMG Guidelines, 2015. Collection method: clinical testing. Allele origin: unknown.

NM_005591.4(MRE11):c.1162C>T (p.Arg388Trp)

Gene: MRE11 (MRE11 double strand break repair nuclease; minus strand). Cytogenetic location: 11q21.
Variant type: single nucleotide variant.
Coding change: c.1162C>T on transcript NM_005591.4 (MANE Select); coding-DNA position 1162, C replaced by T.
Protein change: p.Arg388Trp; replaces arginine 388 with tryptophan.
Molecular consequence: missense variant.
Genome position (GRCh38, 1-based): chr11:94,464,176, G>A on the plus strand (C>T on the coding strand, the complement: MRE11 is on the minus strand). VCF-style: chr11-94464176-G-A. GRCh37 (hg19) VCF-style: chr11-94197342-G-A.
Other names: c.1162C>T, p.Arg388Trp (NM_001330347.2, NM_005590.4); short protein forms R388W.
Identifiers: ClinVar variation 187636 (VCV000187636.16), dbSNP rs375223186, ClinGen allele CA198159.